The following is an entry in ClinVar:

ClinVar aggregate classification (germline): Uncertain significance. Review status: criteria provided, single submitter (1 of 4 stars). 2 submissions from 2 submitters: Uncertain significance (1). 1 of the submissions does not count toward it. Last evaluated 2024-10-24.

Conditions:
PHEX-related disorder. Also called: PHEX-related condition.

Allele frequency attached by ClinVar (database versions not stated): gnomAD exomes below 0.00001.
gnomAD v4.1: 3 of 1,196,667 alleles (0.00025%); highest among the groups gnomAD compares: Admixed American, 0.0044%; no homozygotes.

Submissions (2):

Labcorp Genetics (formerly Invitae), Labcorp
Classification: Uncertain significance. Last evaluated: 2024-10-24. Review status: criteria provided, single submitter. Criteria: Invitae Variant Classification Sherloc (09022015). Collection method: clinical testing. Allele origin: germline.
Comment: This sequence change replaces valine, which is neutral and non-polar, with isoleucine, which is neutral and non-polar, at codon 407 of the PHEX protein (p.Val407Ile). This variant is present in population databases (no rsID available, gnomAD 0.004%), including at least one homozygous and/or hemizygous individual. This variant has not been reported in the literature in individuals affected with PHEX-related conditions. Invitae Evidence Modeling of protein sequence and biophysical properties (such as structural, functional, and spatial information, amino acid conservation, physicochemical variation, residue mobility, and thermodynamic stability) has been performed for this missense variant. However, the output from this modeling did not meet the statistical confidence thresholds required to predict the impact of this variant on PHEX protein function. In summary, the available evidence is currently insufficient to determine the role of this variant in disease. Therefore, it has been classified as a Variant of Uncertain Significance.

PreventionGenetics, part of Exact Sciences
Classification: Uncertain significance for PHEX-related condition. Last evaluated: 2023-10-28. Review status: no assertion criteria provided. Collection method: clinical testing. Allele origin: germline. Not counted in ClinVar's aggregate classification.
Comment: The PHEX c.1219G>A variant is predicted to result in the amino acid substitution p.Val407Ile. To our knowledge, this variant has not been reported in the literature. This variant is reported in 0.0036% of alleles in individuals of Latino descent in gnomAD. At this time, the clinical significance of this variant is uncertain due to the absence of conclusive functional and genetic evidence.

NM_000444.6(PHEX):c.1219G>A (p.Val407Ile)

Gene: PHEX (phosphate regulating endopeptidase X-linked; plus strand). Cytogenetic location: Xp22.11.
Variant type: single nucleotide variant.
Coding change: c.1219G>A on transcript NM_000444.6 (MANE Select); coding-DNA position 1219, G replaced by A.
Protein change: p.Val407Ile; replaces valine 407 with isoleucine.
Molecular consequence: missense variant.
Genome position (GRCh38, 1-based): chrX:22,114,503, G>A. VCF-style: chrX-22114503-G-A. GRCh37 (hg19) VCF-style: chrX-22132621-G-A.
Other names: c.1219G>A, p.Val407Ile (NM_001282754.2); short protein forms V407I.
Identifiers: ClinVar variation 3031085 (VCV003031085.4), dbSNP rs1463347924, ClinGen allele CA412573395.